The following is an entry in ClinVar:

NM_001164508.2(NEB):c.902G>A (p.Arg301Lys)

Gene: NEB (nebulin; minus strand). Cytogenetic location: 2q23.3.
Variant type: single nucleotide variant.
Coding change: c.902G>A on transcript NM_001164508.2 (MANE Select); coding-DNA position 902, G replaced by A.
Protein change: p.Arg301Lys; replaces arginine 301 with lysine.
Molecular consequence: missense variant.
Genome position (GRCh38, 1-based): chr2:151,710,459, C>T on the plus strand (G>A on the coding strand, the complement: NEB is on the minus strand). VCF-style: chr2-151710459-C-T. GRCh37 (hg19) VCF-style: chr2-152566973-C-T.
Other names: c.902G>A, p.Arg301Lys (NM_001164507.2, NM_001271208.2, NM_004543.5); short protein forms R301K.
Identifiers: ClinVar variation 2373355 (VCV002373355.7), dbSNP rs185441677, ClinGen allele CA1911747.
Genomic context (GRCh38, chr2:151,710,459, plus strand): 5'-CAGGATGACCAACCAGCCATCCCTTCCCACTTAACTGTGCTAATGTTATCAGCATTCATT[C>T]TGGCATTTGCAACTTCAAAGCAAGGTGTCTCACTCCATTTGCCTTTGATTTTATTTTCAT-3'
Protein context (NP_001157980.2, residues 291-311): ETPCFEVANA[Arg301Lys]MNADNISTRK

ClinVar aggregate classification (germline): Conflicting classifications of pathogenicity. Review status: criteria provided, conflicting classifications (1 of 4 stars). 3 submissions from 3 submitters: Uncertain significance (2); Likely benign (1). Last evaluated 2025-09-20.

Conditions:
Inborn genetic diseases. Identifiers: MedGen C0950123, MeSH D030342.

Allele frequency attached by ClinVar (database versions not stated): gnomAD exomes 0.00005; 1000 Genomes Project 0.00080; ExAC 0.00018; gnomAD 0.00056; TOPMed 0.00054; 1000 Genomes Project 30x 0.00062.
gnomAD v4.1: 157 of 1,612,314 alleles (0.0097%); highest among the groups gnomAD compares: African/African-American, 0.19%; no homozygotes.

Submissions (3):

Dasa
Classification: Uncertain significance. Last evaluated: 2025-09-20. Review status: criteria provided, single submitter. Criteria: DASA Assertion Criteria. Collection method: clinical testing. Allele origin: germline.
Comment: NM_001164508.2(NEB):c.902G>A (p.Arg301Lys) is a missense variant that results in the substitution of arginine with lysine. This variant is rare in population databases. Computational prediction algorithms are consistent with a benign effect. The currently available literature and clinical evidence are not sufficient to establish a definitive association between this variant and the reported condition. Therefore, this variant is classified as a variant of uncertain significance.

Revvity Omics, Revvity
Classification: Likely benign. Last evaluated: 2025-02-04. Review status: criteria provided, single submitter. Criteria: ACMG Guidelines, 2015. Collection method: clinical testing. Allele origin: germline.

Ambry Genetics
Classification: Uncertain significance for Inborn genetic diseases. Last evaluated: 2021-08-17. Review status: criteria provided, single submitter. Criteria: Ambry Variant Classification Scheme 2023. Collection method: clinical testing. Allele origin: germline.